The following is an entry in ClinVar:

ClinVar aggregate classification (germline): Uncertain significance (1 of 4 stars; one submission).

Submission:

Labcorp Genetics (formerly Invitae), Labcorp
Classification: Uncertain significance. Last evaluated: 2022-02-28. Review status: criteria provided, single submitter. Criteria: Invitae Variant Classification Sherloc (09022015). Collection method: clinical testing. Allele origin: germline.
Comment: This variant has not been reported in the literature in individuals affected with BPTF-related conditions. In summary, the available evidence is currently insufficient to determine the role of this variant in disease. Therefore, it has been classified as a Variant of Uncertain Significance. Algorithms developed to predict the effect of missense changes on protein structure and function are either unavailable or do not agree on the potential impact of this missense change (SIFT: "Tolerated"; PolyPhen-2: "Not Available"; Align-GVGD: "Class C0"). This variant is not present in population databases (gnomAD no frequency). This sequence change replaces threonine, which is neutral and polar, with serine, which is neutral and polar, at codon 115 of the BPTF protein (p.Thr115Ser).

NM_182641.4(BPTF):c.343A>T (p.Thr115Ser)

Gene: BPTF (bromodomain PHD finger transcription factor; plus strand). Cytogenetic location: 17q24.2.
Variant type: single nucleotide variant.
Coding change: c.343A>T on transcript NM_182641.4 (MANE Select); coding-DNA position 343, A replaced by T.
Protein change: p.Thr115Ser; replaces threonine 115 with serine.
Molecular consequence: missense variant.
Genome position (GRCh38, 1-based): chr17:67,826,067, A>T. VCF-style: chr17-67826067-A-T. GRCh37 (hg19) VCF-style: chr17-65822183-A-T.
Other names: c.343A>T, p.Thr115Ser (NM_004459.7); short protein forms T115S.
Identifiers: ClinVar variation 2104892 (VCV002104892.4), dbSNP rs2509394364, ClinGen allele CA400715747.
Genomic context (GRCh38, chr17:67,826,067, plus strand): 5'-CGAGGAGGCGGGGGCGGCAGGACGGGGGGCGGGGGCGGCGGCGGCCACCTGGCCCGGACC[A>T]CCGCGGCCCGGAGGGCCGTCAACAAAGTGGTGTACGATGACCACGAGAGCGAGGAGGAGG-3'
Protein context (NP_872579.2, residues 105-125): GGGGGHLART[Thr115Ser]AARRAVNKVV